The following is an entry in ClinVar:

NM_002161.6(IARS1):c.2165G>A (p.Arg722His)

Gene: IARS1 (isoleucyl-tRNA synthetase 1; minus strand). Cytogenetic location: 9q22.31.
Variant type: single nucleotide variant.
Coding change: c.2165G>A on transcript NM_002161.6 (MANE Select); coding-DNA position 2165, G replaced by A.
Protein change: p.Arg722His; replaces arginine 722 with histidine.
Molecular consequence: missense variant. On other transcripts: non-coding transcript variant (1), intron variant (1).
Genome position (GRCh38, 1-based): chr9:92,253,426, C>T on the plus strand (G>A on the coding strand, the complement: IARS1 is on the minus strand). VCF-style: chr9-92253426-C-T. GRCh37 (hg19) VCF-style: chr9-95015708-C-T.
Other names: c.2165G>A, p.Arg722His (NM_001374299.1, NM_001374300.1, NM_001378572.1 and 12 more transcripts); c.2081G>A, p.Arg694His (NM_001374301.1); c.2228G>A, p.Arg743His (NM_001378569.1); c.2186G>A, p.Arg729His (NM_001378571.1); c.2042G>A, p.Arg681His (NM_001378583.1); c.2134-1541G>A (NM_001378582.1); short protein forms R681H, R694H, R722H, R729H, R743H.
Identifiers: ClinVar variation 4885137 (VCV004885137.2).

ClinVar aggregate classification (germline): Uncertain significance (1 of 4 stars; one submission).

gnomAD v4.1: 6 of 1,613,430 alleles (0.00037%); highest among the groups gnomAD compares: South Asian, 0.0011%; no homozygotes.

Submission:

Dasa
Classification: Uncertain significance. Last evaluated: 2025-06-23. Review status: criteria provided, single submitter. Criteria: DASA Assertion Criteria. Collection method: clinical testing. Allele origin: germline.
Comment: NM_002161.6(IARS):c.2165G>A (p.Arg722His) is a missense variant that results in the substitution of arginine with histidine. This variant is rare in population databases. Computational prediction algorithms are consistent with a benign effect. The currently available literature and clinical evidence are not sufficient to establish a definitive association between this variant and the reported condition. Therefore, this variant is classified as a variant of uncertain significance.